The following is an entry in ClinVar:

ClinVar aggregate classification (germline): Likely benign (1 of 4 stars; one submission).

gnomAD v4.1: 1 of 1,614,054 alleles (0.000062%); highest among the groups gnomAD compares: Non-Finnish European, 0.000085%; no homozygotes.

Submission:

CeGaT Center for Human Genetics Tuebingen
Classification: Likely benign. Last evaluated: 2024-11-01. Review status: criteria provided, single submitter. Criteria: CeGaT Center For Human Genetics Tuebingen Variant Classification Criteria Version 2. Collection method: clinical testing. Allele origin: germline. Affected: yes. Observed: 1 variant allele.
Comment: HSPB8: BP4, BP7

NM_014365.3(HSPB8):c.135A>G (p.Thr45=)

Gene: HSPB8 (heat shock protein family B (small) member 8; plus strand). Cytogenetic location: 12q24.23.
Variant type: single nucleotide variant.
Coding change: c.135A>G on transcript NM_014365.3 (MANE Select); coding-DNA position 135, A replaced by G.
Protein change: p.Thr45=; no amino-acid change (threonine 45 retained).
Molecular consequence: synonymous variant.
Genome position (GRCh38, 1-based): chr12:119,179,447, A>G. VCF-style: chr12-119179447-A-G. GRCh37 (hg19) VCF-style: chr12-119617252-A-G.
Identifiers: ClinVar variation 3390166 (VCV003390166.14).